The following is an entry in ClinVar:

NM_033118.4(MYLK2):c.161C>T (p.Ala54Val)

Gene: MYLK2 (myosin light chain kinase 2; plus strand). Cytogenetic location: 20q11.21.
Variant type: single nucleotide variant.
Coding change: c.161C>T on transcript NM_033118.4 (MANE Select); coding-DNA position 161, C replaced by T.
Protein change: p.Ala54Val; replaces alanine 54 with valine.
Molecular consequence: missense variant.
Genome position (GRCh38, 1-based): chr20:31,820,234, C>T. VCF-style: chr20-31820234-C-T. GRCh37 (hg19) VCF-style: chr20-30408037-C-T.
Other names: short protein forms A54V.
Identifiers: ClinVar variation 1717856 (VCV001717856.5), dbSNP rs762972654, ClinGen allele CA408525048.

ClinVar aggregate classification (germline): Uncertain significance (1 of 4 stars; one submission).

Conditions:
Hypertrophic cardiomyopathy 1 (CMH1). Also called: Familial hypertrophic cardiomyopathy 1; MYH7-Related Familial Hypertrophic Cardiomyopathy. Identifiers: MedGen C3495498, MONDO:0008647, OMIM 192600.

Submission:

Labcorp Genetics (formerly Invitae), Labcorp
Classification: Uncertain significance for Hypertrophic cardiomyopathy 1. Last evaluated: 2022-08-23. Review status: criteria provided, single submitter. Criteria: Invitae Variant Classification Sherloc (09022015). Collection method: clinical testing. Allele origin: germline.
Comment: In summary, the available evidence is currently insufficient to determine the role of this variant in disease. Therefore, it has been classified as a Variant of Uncertain Significance. Algorithms developed to predict the effect of missense changes on protein structure and function (SIFT, PolyPhen-2, Align-GVGD) all suggest that this variant is likely to be tolerated. This variant has not been reported in the literature in individuals affected with MYLK2-related conditions. This variant is not present in population databases (gnomAD no frequency). This sequence change replaces alanine, which is neutral and non-polar, with valine, which is neutral and non-polar, at codon 54 of the MYLK2 protein (p.Ala54Val).